The following is an entry in ClinVar:

NM_015338.6(ASXL1):c.3969G>C (p.Met1323Ile)

Gene: ASXL1 (ASXL transcriptional regulator 1; plus strand). Cytogenetic location: 20q11.21.
Variant type: single nucleotide variant.
Coding change: c.3969G>C on transcript NM_015338.6 (MANE Select); coding-DNA position 3969, G replaced by C.
Protein change: p.Met1323Ile; replaces methionine 1323 with isoleucine.
Molecular consequence: missense variant.
Genome position (GRCh38, 1-based): chr20:32,436,681, G>C. VCF-style: chr20-32436681-G-C. GRCh37 (hg19) VCF-style: chr20-31024484-G-C.
Other names: c.3786G>C, p.Met1262Ile (NM_001363734.1); short protein forms M1262I, M1323I.
Identifiers: ClinVar variation 2815622 (VCV002815622.3), dbSNP rs2145390567, ClinGen allele CA408564167.

ClinVar aggregate classification (germline): Uncertain significance (1 of 4 stars; one submission).

Submission:

Labcorp Genetics (formerly Invitae), Labcorp
Classification: Uncertain significance. Last evaluated: 2022-11-23. Review status: criteria provided, single submitter. Criteria: Invitae Variant Classification Sherloc (09022015). Collection method: clinical testing. Allele origin: germline.
Comment: This variant has not been reported in the literature in individuals affected with ASXL1-related conditions. Algorithms developed to predict the effect of missense changes on protein structure and function (SIFT, PolyPhen-2, Align-GVGD) all suggest that this variant is likely to be tolerated. In summary, the available evidence is currently insufficient to determine the role of this variant in disease. Therefore, it has been classified as a Variant of Uncertain Significance. This variant is not present in population databases (gnomAD no frequency). This sequence change replaces methionine, which is neutral and non-polar, with isoleucine, which is neutral and non-polar, at codon 1323 of the ASXL1 protein (p.Met1323Ile).